The following is an entry in ClinVar:

NM_001379210.1(SLC25A26):c.386C>G (p.Ser129Cys)

Gene: SLC25A26 (solute carrier family 25 member 26; plus strand). Cytogenetic location: 3p14.1.
Variant type: single nucleotide variant.
Coding change: c.386C>G on transcript NM_001379210.1 (MANE Select); coding-DNA position 386, C replaced by G.
Protein change: p.Ser129Cys; replaces serine 129 with cysteine.
Molecular consequence: missense variant. On other transcripts: non-coding transcript variant (15).
Genome position (GRCh38, 1-based): chr3:66,262,136, C>G. VCF-style: chr3-66262136-C-G. GRCh37 (hg19) VCF-style: chr3-66312560-C-G.
Other names: c.386C>G, p.Ser129Cys (NM_001009937.1, NM_001400705.1, NM_001400707.1 and 1 more transcripts); c.122C>G, p.Ser41Cys (NM_001164796.1, NM_001350993.1, NM_001400709.1 and 2 more transcripts); short protein forms S41C, S129C.
Identifiers: ClinVar variation 2246226 (VCV002246226.3), dbSNP rs367902266, ClinGen allele CA76493817.

ClinVar aggregate classification (germline): Uncertain significance. Review status: criteria provided, multiple submitters, no conflicts (2 of 4 stars). 2 submissions from 2 submitters: Uncertain significance (2). Last evaluated 2025-07-14.

Conditions:
Inborn genetic diseases. Identifiers: MedGen C0950123, MeSH D030342.

Allele frequency attached by ClinVar (database versions not stated): gnomAD exomes below 0.00001; gnomAD 0.00001; ESP Exome Variant Server 0.00008; TOPMed 0.00001.
gnomAD v4.1: 7 of 1,560,344 alleles (0.00045%); highest among the groups gnomAD compares: African/African-American, 0.0014%; no homozygotes.

Submissions (2):

GeneDx
Classification: Uncertain significance. Last evaluated: 2025-07-14. Review status: criteria provided, single submitter. Criteria: GeneDx Variant Classification Process June 2021. Collection method: clinical testing. Allele origin: germline. Affected: yes.
Comment: Not observed at significant frequency in large population cohorts (gnomAD); In silico analysis suggests that this missense variant does not alter protein structure/function; Has not been previously published as pathogenic or benign to our knowledge

Ambry Genetics
Classification: Uncertain significance for Inborn genetic diseases. Last evaluated: 2021-08-17. Review status: criteria provided, single submitter. Criteria: Ambry Variant Classification Scheme 2023. Collection method: clinical testing. Allele origin: germline.